The following is an entry in ClinVar:

NM_022369.4(STRA6):c.347del (p.Leu116fs)

Gene: STRA6 (signaling receptor and transporter of retinol STRA6; minus strand). Cytogenetic location: 15q24.1.
Variant type: Deletion.
Coding change: c.347del on transcript NM_022369.4 (MANE Select); coding-DNA position 347, one base deleted (T; older notation c.347delT).
Protein change: p.Leu116fs; shifts the reading frame from leucine 116.
Molecular consequence: frameshift variant.
Genome position (GRCh38, 1-based): chr15:74,196,067, A deleted on the plus strand (T on the coding strand, the reverse complement: STRA6 is on the minus strand); the first of 3 consecutive A bases (chr15:74,196,067-74,196,069); deleting any one gives the same sequence. VCF-style (leftmost placement, unchanged base first): chr15-74196066-CA-C. GRCh37 (hg19) VCF-style: chr15-74488407-CA-C.
Other names: c.347del, p.Leu116fs (NM_001142617.2, NM_001142618.2, NM_001142620.2); c.320del, p.Leu107fs (NM_001142619.2); c.458del, p.Leu153fs (NM_001199040.2); c.392del, p.Leu131fs (NM_001199041.2); c.464del, p.Leu155fs (NM_001199042.2); short protein forms L107fs, L116fs, L131fs, L153fs, L155fs.
Identifiers: ClinVar variation 984924 (VCV000984924.1), dbSNP rs2073803030, ClinGen allele CA1139664088.
Genomic context (GRCh38, chr15:74,196,066, plus strand): 5'-ACCTTGGCTGGGTGCTGAGGCGAGAGTCAGGAAGGGCAATGCGTCCTCGTCGGGGAGCAG[CA>C]AACACAGGGAGCTCAGGAGGACCATGAAAACAGCAGCAGGCACTGCCCGGGGCCTGTCCC-3'

ClinVar aggregate classification (germline): Pathogenic (1 of 4 stars; one submission).

Conditions:
Microphthalmia, syndromic 9. Also called: PULMONARY AGENESIS, MICROPHTHALMIA, AND DIAPHRAGMATIC DEFECT; SPEAR SYNDROME; Matthew-Wood syndrome; ANOPHTHALMIA, CLINICAL, WITH MILD FACIAL DYSMORPHISM AND VARIABLE MALFORMATIONS OF THE LUNG, HEART, AND DIAPHRAGM; ANOPHTHALMIA/MICROPHTHALMIA AND PULMONARY HYPOPLASIA. Identifiers: Orphanet 2470, MedGen C1832661, MONDO:0011010, OMIM 601186.

Submission:

Rady Children's Institute for Genomic Medicine, Rady Children's Hospital San Diego
Classification: Pathogenic for MICROPHTHALMIA, SYNDROMIC 9. Last evaluated: 2020-01-09. Review status: criteria provided, single submitter. Criteria: ACMG Guidelines, 2015. Collection method: clinical testing. Allele origin: germline. Affected: yes.
Comment: This frameshifting variant in exon 9a of 23 introduces a premature stop codon and is therefore predicted to result in loss of normal protein function. This variant has not been previously reported or functionally characterized in the literature to our knowledge. It is absent from the ExAC and gnomAD population databases and thus is presumed to be rare. Based on the available evidence, the c.464del (p.Leu155CysfsTer12) variant is classified as Pathogenic.